The following is an entry in ClinVar:

NM_001005356.3(POTEG):c.1374G>A (p.Gln458=)

Gene: POTEG (POTE ankyrin domain family member G; minus strand). Cytogenetic location: 14q11.2.
Variant type: single nucleotide variant.
Coding change: c.1374G>A on transcript NM_001005356.3 (MANE Select); coding-DNA position 1374, G replaced by A.
Protein change: p.Gln458=; no amino-acid change (glutamine 458 retained).
Molecular consequence: synonymous variant. On other transcripts: non-coding transcript variant (1).
Genome position (GRCh38, 1-based): chr14:19,413,389, C>T on the plus strand (G>A on the coding strand, the complement: POTEG is on the minus strand). VCF-style: chr14-19413389-C-T. GRCh37 (hg19) VCF-style: chr14-19574317-G-A.
Identifiers: ClinVar variation 2644030 (VCV002644030.24), dbSNP rs1387808839, ClinGen allele CA485378129.

ClinVar aggregate classification (germline): Likely benign (1 of 4 stars; one submission).

Submission:

CeGaT Center for Human Genetics Tuebingen
Classification: Likely benign. Last evaluated: 2022-05-01. Review status: criteria provided, single submitter. Criteria: CeGaT Center For Human Genetics Tuebingen Variant Classification Criteria Version 2. Collection method: clinical testing. Allele origin: germline. Affected: yes. Observed: 2 variant alleles.
Comment: POTEG: BP4, BP7